The following is an entry in ClinVar:

ClinVar aggregate classification (germline): Conflicting classifications of pathogenicity. Review status: criteria provided, conflicting classifications (1 of 4 stars). 6 submissions from 6 submitters: Uncertain significance (1); Benign (1); Likely benign (3). 1 of the submissions does not count toward it. Last evaluated 2026-01-27.

Conditions:
NHEJ1-related disorder. Also called: NHEJ1-related condition.
Cernunnos-XLF deficiency (IMD124). Also called: NHEJ1 SYNDROME; Severe combined immunodeficiency with sensitivity to ionizing radiation due to NHEJ1 deficiency; SCID, autosomal recessive, T cell-negative, B cell-negative, NK cell-positive, and sensitivity to ionizing radiation due to NHEJ1 deficiency; IMMUNODEFICIENCY 124, SEVERE COMBINED; SCID, AUTOSOMAL RECESSIVE, T CELL-NEGATIVE, B CELL-NEGATIVE, NK CELL-POSITIVE, WITH MICROCEPHALY, GROWTH RETARDATION, AND SENSITIVITY TO IONIZING RADIATION. Identifiers: Orphanet 169079, MedGen C1969799, MONDO:0012650, OMIM 611291.

Allele frequency attached by ClinVar (database versions not stated): gnomAD exomes 0.00064; ExAC 0.00072; ESP Exome Variant Server 0.00238; gnomAD 0.00240; TOPMed 0.00248; 1000 Genomes Project 0.00339; 1000 Genomes Project 30x 0.00344.
gnomAD v4.1: 749 of 1,614,154 alleles (0.046%); highest among the groups gnomAD compares: African/African-American, 0.83%; 2 homozygotes.

Submissions (6):

Labcorp Genetics (formerly Invitae), Labcorp
Classification: Benign for Cernunnos-XLF deficiency. Last evaluated: 2026-01-27. Review status: criteria provided, single submitter. Criteria: Invitae Variant Classification Sherloc (09022015). Collection method: clinical testing. Allele origin: germline.

Women's Health and Genetics/Laboratory Corporation of America, LabCorp
Classification: Likely benign. Last evaluated: 2026-01-23. Review status: criteria provided, single submitter. Criteria: LabCorp Variant Classification Summary - May 2015. Collection method: clinical testing. Allele origin: germline.

Blueprint Genetics
Classification: Likely benign. Last evaluated: 2024-09-05. Review status: criteria provided, single submitter. Criteria: ACMG Guidelines, 2015. Collection method: clinical testing. Allele origin: germline.

CeGaT Center for Human Genetics Tuebingen
Classification: Likely benign. Last evaluated: 2021-04-01. Review status: criteria provided, single submitter. Criteria: CeGaT Center For Human Genetics Tuebingen Variant Classification Criteria Version 2. Collection method: clinical testing. Allele origin: germline. Affected: yes. Observed: 1 variant allele.

Genetic Services Laboratory, University of Chicago
Classification: Uncertain significance. Last evaluated: 2014-12-12. Review status: criteria provided, single submitter. Criteria: ACMG Guidelines, 2015. Collection method: clinical testing. Allele origin: germline.

PreventionGenetics, part of Exact Sciences
Classification: Benign for NHEJ1-related condition. Last evaluated: 2019-07-08. Review status: no assertion criteria provided. Collection method: clinical testing. Allele origin: germline. Not counted in ClinVar's aggregate classification.
Comment: This variant is classified as benign based on ACMG/AMP sequence variant interpretation guidelines (Richards et al. 2015 PMID: 25741868, with internal and published modifications).

NM_024782.3(NHEJ1):c.258C>T (p.Asp86=)

Gene: NHEJ1 (non-homologous end joining factor 1; minus strand). Cytogenetic location: 2q35.
Variant type: single nucleotide variant.
Coding change: c.258C>T on transcript NM_024782.3 (MANE Select); coding-DNA position 258, C replaced by T.
Protein change: p.Asp86=; no amino-acid change (aspartic acid 86 retained).
Molecular consequence: synonymous variant. On other transcripts: non-coding transcript variant (1).
Genome position (GRCh38, 1-based): chr2:219,157,604, G>A on the plus strand (C>T on the coding strand, the complement: NHEJ1 is on the minus strand). VCF-style: chr2-219157604-G-A. GRCh37 (hg19) VCF-style: chr2-220022326-G-A.
Other names: c.258C>T, p.Asp86= (NM_001377498.1, NM_001377499.1).
Identifiers: ClinVar variation 211594 (VCV000211594.53), dbSNP rs113689741, ClinGen allele CA206257.